The following is an entry in ClinVar:

Conditions:
Breast-ovarian cancer, familial, susceptibility to, 1 (BROVCA1). Also called: BRCA1 Hereditary Breast and Ovarian Cancer; OVARIAN CANCER, SUSCEPTIBILITY TO. Identifiers: Orphanet 145, MedGen C2676676, MONDO:0011450, OMIM 604370. Disease mechanism: loss of function.

gnomAD v4.1: 1 of 1,613,402 alleles (0.000062%); highest among the groups gnomAD compares: Non-Finnish European, 0.000085%; no homozygotes.

Submission:

Brotman Baty Institute, University of Washington
No classification provided (evidence only). Condition: Breast-ovarian cancer, familial 1. Review status: no classification provided. Collection method: in vitro. Allele origin: not applicable. Functional consequence: functionally_normal.
ClinVar note: "not provided" was previously submitted as the classification for the variant. However, the classification appeared to be based only on an observation of functional data so it was converted to no classification on 2025-07-30.

NM_007294.4(BRCA1):c.5332+11G>C

Gene: BRCA1 (BRCA1 DNA repair associated; minus strand). Cytogenetic location: 17q21.31.
Variant type: single nucleotide variant.
Coding change: c.5332+11G>C on transcript NM_007294.4 (MANE Select); 11 bases into the intron after coding-DNA position 5332, G replaced by C.
Molecular consequence: intron variant.
Genome position (GRCh38, 1-based): chr17:43,051,052, C>G on the plus strand (G>C on the coding strand, the complement: BRCA1 is on the minus strand). VCF-style: chr17-43051052-C-G. GRCh37 (hg19) VCF-style: chr17-41203069-C-G.
Other names: c.1879+11G>C (NM_001408458.1, NM_001408461.1, NM_001408464.1 and 7 more transcripts); c.4441+11G>C (NM_001407967.1); c.4951+11G>C (NM_001407959.1); c.5065+11G>C (NM_001407931.1, NM_001407932.1, NM_001407928.1 and 4 more transcripts); c.5188+11G>C (NM_001407747.1, NM_001407745.1, NM_001407737.1 and 21 more transcripts); c.4948+11G>C (NM_001407962.1, NM_001407960.1); c.1519+11G>C (NM_001408512.1); c.1642+11G>C (NM_001408510.1); and 74 more.
Identifiers: ClinVar variation 868006 (VCV000868006.3), dbSNP rs1258744250, ClinGen allele CA916081006.